The following is an entry in ClinVar:

NM_004525.3(LRP2):c.7306A>T (p.Thr2436Ser)

Gene: LRP2 (LDL receptor related protein 2; minus strand). Cytogenetic location: 2q31.1.
Variant type: single nucleotide variant.
Coding change: c.7306A>T on transcript NM_004525.3 (MANE Select); coding-DNA position 7306, A replaced by T.
Protein change: p.Thr2436Ser; replaces threonine 2436 with serine.
Molecular consequence: missense variant.
Genome position (GRCh38, 1-based): chr2:169,206,414, T>A on the plus strand (A>T on the coding strand, the complement: LRP2 is on the minus strand). VCF-style: chr2-169206414-T-A. GRCh37 (hg19) VCF-style: chr2-170062924-T-A.
Other names: short protein forms T2436S.
Identifiers: ClinVar variation 2078602 (VCV002078602.1), dbSNP rs577943281, ClinGen allele CA349171036.

ClinVar aggregate classification (germline): Uncertain significance (1 of 4 stars; one submission).

Allele frequency attached by ClinVar (database versions not stated): TOPMed 0.00001.
gnomAD v4.1: 7 of 1,614,168 alleles (0.00043%); highest among the groups gnomAD compares: East Asian, 0.016%; no homozygotes.

Submission:

Labcorp Genetics (formerly Invitae), Labcorp
Classification: Uncertain significance. Last evaluated: 2022-05-06. Review status: criteria provided, single submitter. Criteria: Invitae Variant Classification Sherloc (09022015). Collection method: clinical testing. Allele origin: germline.
Comment: This sequence change replaces threonine, which is neutral and polar, with serine, which is neutral and polar, at codon 2436 of the LRP2 protein (p.Thr2436Ser). This variant is present in population databases (no rsID available, gnomAD 0.03%). This variant has not been reported in the literature in individuals affected with LRP2-related conditions. Advanced modeling of protein sequence and biophysical properties (such as structural, functional, and spatial information, amino acid conservation, physicochemical variation, residue mobility, and thermodynamic stability) performed at Invitae indicates that this missense variant is not expected to disrupt LRP2 protein function. In summary, the available evidence is currently insufficient to determine the role of this variant in disease. Therefore, it has been classified as a Variant of Uncertain Significance.